The following is an entry in ClinVar:

NM_133459.4(CCBE1):c.929C>T (p.Ala310Val)

Gene: CCBE1 (collagen and calcium binding EGF domains 1; minus strand). Cytogenetic location: 18q21.32.
Variant type: single nucleotide variant.
Coding change: c.929C>T on transcript NM_133459.4 (MANE Select); coding-DNA position 929, C replaced by T.
Protein change: p.Ala310Val; replaces alanine 310 with valine.
Molecular consequence: missense variant.
Genome position (GRCh38, 1-based): chr18:59,439,565, G>A on the plus strand (C>T on the coding strand, the complement: CCBE1 is on the minus strand). VCF-style: chr18-59439565-G-A. GRCh37 (hg19) VCF-style: chr18-57106797-G-A.
Other names: short protein forms A310V.
Identifiers: ClinVar variation 999508 (VCV000999508.6), dbSNP rs140470196, ClinGen allele CA8980267.

ClinVar aggregate classification (germline): Uncertain significance (1 of 4 stars; one submission).

Allele frequency attached by ClinVar (database versions not stated): gnomAD exomes 0.00002 and 0.00013; ExAC 0.00003; gnomAD 0.00003; TOPMed 0.00005; ESP Exome Variant Server 0.00008.
gnomAD v4.1: 186 of 1,614,130 alleles (0.012%); highest among the groups gnomAD compares: Non-Finnish European, 0.015%; 1 homozygote.

Submission:

Labcorp Genetics (formerly Invitae), Labcorp
Classification: Uncertain significance. Last evaluated: 2022-02-04. Review status: criteria provided, single submitter. Criteria: Invitae Variant Classification Sherloc (09022015). Collection method: clinical testing. Allele origin: germline.
Comment: This sequence change replaces alanine, which is neutral and non-polar, with valine, which is neutral and non-polar, at codon 310 of the CCBE1 protein (p.Ala310Val). This variant is present in population databases (rs140470196, gnomAD 0.004%). This variant has not been reported in the literature in individuals affected with CCBE1-related conditions. ClinVar contains an entry for this variant (Variation ID: 999508). Algorithms developed to predict the effect of missense changes on protein structure and function are either unavailable or do not agree on the potential impact of this missense change (SIFT: "Deleterious"; PolyPhen-2: "Probably Damaging"; Align-GVGD: "Class C0"). Algorithms developed to predict the effect of sequence changes on RNA splicing suggest that this variant may create or strengthen a splice site. In summary, the available evidence is currently insufficient to determine the role of this variant in disease. Therefore, it has been classified as a Variant of Uncertain Significance.